The following is an entry in ClinVar:

ClinVar aggregate classification (germline): Uncertain significance. Review status: criteria provided, multiple submitters, no conflicts (2 of 4 stars). 2 submissions from 2 submitters: Uncertain significance (2). Last evaluated 2025-03-15.

Conditions:
Hereditary cancer-predisposing syndrome. Also called: Tumor predisposition; Hereditary neoplastic syndrome; Neoplastic Syndromes, Hereditary; Hereditary Cancer Syndrome. Identifiers: Orphanet 140162, MedGen C0027672, MeSH D009386, MONDO:0015356.
Cardiovascular phenotype. Identifiers: MedGen CN230736.
Neurofibromatosis, type 1 (NF1). Also called: Peripheral type neurofibromatosis; VON RECKLINGHAUSEN DISEASE; Neurofibromatosis, type I; NEUROFIBROMATOSIS, TYPE I, SOMATIC. Identifiers: Orphanet 636, MedGen C0027831, MONDO:0018975, OMIM 162200. Disease mechanism: loss of function.

gnomAD v4.1: 1 of 1,613,690 alleles (0.000062%); highest among the groups gnomAD compares: East Asian, 0.0022%; no homozygotes.

Submissions (2):

Ambry Genetics
Classification: Uncertain significance for Cardiovascular phenotype; Hereditary cancer-predisposing syndrome. Last evaluated: 2025-03-15. Review status: criteria provided, single submitter. Criteria: Ambry Variant Classification Scheme 2023. Collection method: clinical testing. Allele origin: germline.
Comment: The p.V1950I variant (also known as c.5848G>A), located in coding exon 39 of the NF1 gene, results from a G to A substitution at nucleotide position 5848. The valine at codon 1950 is replaced by isoleucine, an amino acid with highly similar properties. This amino acid position is conserved. In addition, this alteration is predicted to be tolerated by in silico analysis. Based on the available evidence, the clinical significance of this variant remains unclear.

Labcorp Genetics (formerly Invitae), Labcorp
Classification: Uncertain significance for Neurofibromatosis, type 1. Last evaluated: 2022-12-01. Review status: criteria provided, single submitter. Criteria: Invitae Variant Classification Sherloc (09022015). Collection method: clinical testing. Allele origin: germline.
Comment: Advanced modeling of protein sequence and biophysical properties (such as structural, functional, and spatial information, amino acid conservation, physicochemical variation, residue mobility, and thermodynamic stability) has been performed at Invitae for this missense variant, however the output from this modeling did not meet the statistical confidence thresholds required to predict the impact of this variant on NF1 protein function. In summary, the available evidence is currently insufficient to determine the role of this variant in disease. Therefore, it has been classified as a Variant of Uncertain Significance. This variant has not been reported in the literature in individuals affected with NF1-related conditions. This sequence change replaces valine, which is neutral and non-polar, with isoleucine, which is neutral and non-polar, at codon 1950 of the NF1 protein (p.Val1950Ile). This variant is not present in population databases (gnomAD no frequency). ClinVar contains an entry for this variant (Variation ID: 938010).

NM_001042492.3(NF1):c.5911G>A (p.Val1971Ile)

Gene: NF1 (neurofibromin 1; plus strand). Cytogenetic location: 17q11.2.
Variant type: single nucleotide variant.
Coding change: c.5911G>A on transcript NM_001042492.3 (MANE Select); coding-DNA position 5911, G replaced by A.
Protein change: p.Val1971Ile; replaces valine 1971 with isoleucine.
Molecular consequence: missense variant.
Genome position (GRCh38, 1-based): chr17:31,334,936, G>A. VCF-style: chr17-31334936-G-A. GRCh37 (hg19) VCF-style: chr17-29661954-G-A.
Other names: c.5848G>A, p.Val1950Ile (NM_000267.4); short protein forms V1950I, V1971I.
Identifiers: ClinVar variation 938010 (VCV000938010.7), dbSNP rs2069605938, ClinGen allele CA399010770.
Genomic context (GRCh38, chr17:31,334,936, plus strand): 5'-CCATGGCTGTCAAATCTAGTTCGTTTTTGCAAGCATAATGATGATGCCAAACGACAAAGA[G>A]TTACTGCTATTCTTGACAAGCTGATAACAATGACCATCAATGAAAAACAGATGTACCCAT-3'
Protein context (NP_001035957.1, residues 1961-1981): KHNDDAKRQR[Val1971Ile]TAILDKLITM